The following is an entry in ClinVar:

NM_002335.4(LRP5):c.748_749del (p.Leu250fs)

Gene: LRP5 (LDL receptor related protein 5; plus strand). Cytogenetic location: 11q13.2.
Variant type: Microsatellite.
Coding change: c.748_749del on transcript NM_002335.4 (MANE Select); coding-DNA positions 748 to 749, 2 bases deleted (CT; older notation c.748_749delCT).
Protein change: p.Leu250fs; shifts the reading frame from leucine 250.
Molecular consequence: frameshift variant. On other transcripts: 5 prime UTR variant (1).
Genome position (GRCh38, 1-based): chr11:68,363,808-68,363,809, CT deleted; deleting any 2 consecutive bases within chr11:68,363,806-68,363,809 gives the same sequence; the c. name uses the placement nearest the transcript's 3' end. VCF-style (leftmost placement, unchanged base first): chr11-68363805-ACT-A. GRCh37 (hg19) VCF-style: chr11-68131273-ACT-A.
Other names: c.-1020CT[1] (NM_001291902.2); short protein forms L250fs.
Identifiers: ClinVar variation 4086442 (VCV004086442.1).
Genomic context (GRCh38, chr11:68,363,805, plus strand): 5'-AGGCAGAAGGTGGTGGAGGGCAGCCTGACGCACCCCTTCGCCCTGACGCTCTCCGGGGAC[ACT>A]CTGTACTGGACAGACTGGCAGACCCGCTCCATCCATGCCTGCAACAAGCGCACTGGGGGG-3'

ClinVar aggregate classification (germline): Likely pathogenic (1 of 4 stars; one submission).

Submission:

GeneDx
Classification: Likely pathogenic. Last evaluated: 2025-03-18. Review status: criteria provided, single submitter. Criteria: GeneDx Variant Classification Process June 2021. Collection method: clinical testing. Allele origin: germline. Affected: yes.
Comment: Frameshift variant predicted to result in protein truncation or nonsense mediated decay in a gene for which loss of function is a known mechanism of disease; Not observed at significant frequency in large population cohorts (gnomAD); Identified in an individual with severe exudative vitreoretinopathy who also harbored a deletion in the TSPAN12 gene (PMID: 28867931); This variant is associated with the following publications: (PMID: 31964843, 28867931)